The following is an entry in ClinVar:

ClinVar aggregate classification (germline): Likely benign. Review status: criteria provided, multiple submitters, no conflicts (2 of 4 stars). 5 submissions from 5 submitters: Likely benign (5). Last evaluated 2025-12-07.

Conditions:
Malignant hyperthermia, susceptibility to, 1 (MHS1). Also called: RYR1-Related Malignant Hyperthermia Susceptibility; Anesthesia related hyperthermia; Malignant hyperpyrexia; Fulminating hyperpyrexia; Pharmacogenic myopathy; Malignant hyperthermia suceptibility 1. Identifiers: Orphanet 423, MedGen C2930980, MONDO:0007783, OMIM 145600.
Congenital multicore myopathy with external ophthalmoplegia (CMYO1B). Also called: Minicore myopathy with external ophthalmoplegia; MULTIMINICORE DISEASE WITH EXTERNAL OPHTHALMOPLEGIA; MULTICORE MYOPATHY; Congenital myopathy 1B, autosomal recessive; Minicore myopathy. Identifiers: Orphanet 598, Orphanet 98905, MedGen C1850674, MONDO:0009712, OMIM 255320, HP:0003789.
Central core myopathy (CMYO1A). Also called: Central core disease; Myopathy, central fibrillar; CONGENITAL MYOPATHY 1A, AUTOSOMAL DOMINANT, WITH SUSCEPTIBILITY TO MALIGNANT HYPERTHERMIA. Identifiers: Orphanet 597, MedGen C5830701, MONDO:0007294, OMIM 117000.
Congenital myopathy with fiber type disproportion. Also called: Congenital fiber-type disproportion myopathy; Congenital fiber-type disproportion. Identifiers: Orphanet 2020, MedGen C0546264, MONDO:0009711. Inheritance: all.
King Denborough syndrome (KDS). Identifiers: MedGen C1840365, MONDO:0020485, OMIM 619542.
RYR1-related disorder. Also called: RYR1-related disorders; RYR1-related condition. Identifiers: MedGen CN239331.

Allele frequency attached by ClinVar (database versions not stated): ExAC 0.00001; TOPMed 0.00002; gnomAD 0.00006.

Submissions (5):

Labcorp Genetics (formerly Invitae), Labcorp
Classification: Likely benign for RYR1-related disorder. Last evaluated: 2025-12-07. Review status: criteria provided, single submitter. Criteria: Invitae Variant Classification Sherloc (09022015). Collection method: clinical testing. Allele origin: germline.

All of Us Research Program, National Institutes of Health
Classification: Likely benign for Malignant hyperthermia, susceptibility to, 1. Last evaluated: 2023-10-27. Review status: criteria provided, single submitter. Criteria: ACMG Guidelines, 2015. Collection method: clinical testing. Allele origin: germline. Inheritance: Autosomal dominant inheritance. Observed: 13 variant alleles, 13 heterozygotes.
Comment: This study involves interpretation of variants in research participants for the purpose of population health screening. Participant phenotype was not available at the time of variant classification. Additional details can be found in publication PMID: 35346344, PMCID: PMC8962531

Color Diagnostics, LLC DBA Color Health
Classification: Likely benign for Malignant hyperthermia, susceptibility to, 1. Last evaluated: 2022-11-06. Review status: criteria provided, single submitter. Criteria: ACMG Guidelines, 2015. Collection method: clinical testing. Allele origin: germline.

Blueprint Genetics
Classification: Likely benign. Last evaluated: 2022-01-25. Review status: criteria provided, single submitter. Criteria: ACMG Guidelines, 2015. Collection method: clinical testing. Allele origin: germline.

Fulgent Genetics
Classification: Likely benign for Central core myopathy; Malignant hyperthermia, susceptibility to, 1; Congenital myopathy 4A, autosomal dominant; Congenital multicore myopathy with external ophthalmoplegia; King Denborough syndrome. Last evaluated: 2021-08-10. Review status: criteria provided, single submitter. Criteria: ACMG Guidelines, 2015. Collection method: clinical testing. Allele origin: unknown.

NM_000540.3(RYR1):c.7560C>T (p.His2520=)

Gene: RYR1 (ryanodine receptor 1; plus strand). Cytogenetic location: 19q13.2.
Variant type: single nucleotide variant.
Coding change: c.7560C>T on transcript NM_000540.3 (MANE Select); coding-DNA position 7560, C replaced by T.
Protein change: p.His2520=; no amino-acid change (histidine 2520 retained).
Molecular consequence: synonymous variant.
Genome position (GRCh38, 1-based): chr19:38,500,936, C>T. VCF-style: chr19-38500936-C-T. GRCh37 (hg19) VCF-style: chr19-38991576-C-T.
Other names: c.7560C>T, p.His2520= (NM_001042723.2).
Identifiers: ClinVar variation 478272 (VCV000478272.15), dbSNP rs749322590, ClinGen allele CA069762.